The following is an entry in ClinVar:

NM_001614.5(ACTG1):c.124-17C>T

Gene: ACTG1 (actin gamma 1; minus strand). Cytogenetic location: 17q25.3.
Variant type: single nucleotide variant.
Coding change: c.124-17C>T on transcript NM_001614.5 (MANE Select); 17 bases into the intron before coding-DNA position 124, C replaced by T.
Molecular consequence: intron variant.
Genome position (GRCh38, 1-based): chr17:81,512,159, G>A on the plus strand (C>T on the coding strand, the complement: ACTG1 is on the minus strand). VCF-style: chr17-81512159-G-A. GRCh37 (hg19) VCF-style: chr17-79479185-G-A.
Other names: c.124-17C>T (NM_001199954.3).
Identifiers: ClinVar variation 515324 (VCV000515324.8), dbSNP rs374327916, ClinGen allele CA8836353.

ClinVar aggregate classification (germline): Likely benign. Review status: criteria provided, multiple submitters, no conflicts (2 of 4 stars). 2 submissions from 2 submitters: Likely benign (2). Last evaluated 2025-11-10.

Conditions:
Autosomal dominant nonsyndromic hearing loss 20. Identifiers: Orphanet 90635, MedGen C1858172, MONDO:0011480, OMIM 604717.
Baraitser-winter syndrome 2. Identifiers: Orphanet 2995, MedGen C3281235, MONDO:0013812, OMIM 614583.

Allele frequency attached by ClinVar (database versions not stated): ExAC 0.00003; gnomAD exomes 0.00004; TOPMed 0.00006; gnomAD 0.00007 and 0.00009; ESP Exome Variant Server 0.00008.
gnomAD v4.1: 67 of 1,613,092 alleles (0.0042%); highest among the groups gnomAD compares: African/African-American, 0.008%; no homozygotes.

Submissions (2):

Labcorp Genetics (formerly Invitae), Labcorp
Classification: Likely benign for Baraitser-winter syndrome 2; Autosomal dominant nonsyndromic hearing loss 20. Last evaluated: 2025-11-10. Review status: criteria provided, single submitter. Criteria: Invitae Variant Classification Sherloc (09022015). Collection method: clinical testing. Allele origin: germline.

GeneDx
Classification: Likely benign. Last evaluated: 2018-02-02. Review status: criteria provided, single submitter. Criteria: GeneDx Variant Classification (06012015). Collection method: clinical testing. Allele origin: germline. Affected: yes.
Comment: This variant is considered likely benign or benign based on one or more of the following criteria: it is a conservative change, it occurs at a poorly conserved position in the protein, it is predicted to be benign by multiple in silico algorithms, and/or has population frequency not consistent with disease.